The following is an entry in ClinVar:

NM_000363.5(TNNI3):c.492G>T (p.Lys164Asn)

Gene: TNNI3 (troponin I3, cardiac type; minus strand). Cytogenetic location: 19q13.42.
Variant type: single nucleotide variant.
Coding change: c.492G>T on transcript NM_000363.5 (MANE Select); coding-DNA position 492, G replaced by T.
Protein change: p.Lys164Asn; replaces lysine 164 with asparagine.
Molecular consequence: missense variant.
Genome position (GRCh38, 1-based): chr19:55,154,087, C>A on the plus strand (G>T on the coding strand, the complement: TNNI3 is on the minus strand). VCF-style: chr19-55154087-C-A. GRCh37 (hg19) VCF-style: chr19-55665455-C-A.
Other names: short protein forms K164N.
Identifiers: ClinVar variation 3459416 (VCV003459416.3).

ClinVar aggregate classification (germline): Uncertain significance. Review status: criteria provided, multiple submitters, no conflicts (2 of 4 stars). 2 submissions from 2 submitters: Uncertain significance (2). Last evaluated 2024-11-18.

Conditions:
Cardiovascular phenotype. Identifiers: MedGen CN230736.
Hypertrophic cardiomyopathy. Also called: HYPERTROPHIC MYOCARDIOPATHY. Identifiers: Orphanet 217569, MedGen C0007194, MeSH D002312, MONDO:0005045, HP:0001639.

Submissions (2):

Ambry Genetics
Classification: Uncertain significance for Cardiovascular phenotype. Last evaluated: 2024-11-18. Review status: criteria provided, single submitter. Criteria: Ambry Variant Classification Scheme 2023. Collection method: clinical testing. Allele origin: germline.
Comment: The p.K164N variant (also known as c.492G>T), located in coding exon 7 of the TNNI3 gene, results from a G to T substitution at nucleotide position 492. The lysine at codon 164 is replaced by asparagine, an amino acid with similar properties. This amino acid position is conserved. In addition, the in silico prediction for this alteration is inconclusive. Based on the available evidence, the clinical significance of this variant remains unclear.

Labcorp Genetics (formerly Invitae), Labcorp
Classification: Uncertain significance for Hypertrophic cardiomyopathy. Last evaluated: 2024-04-25. Review status: criteria provided, single submitter. Criteria: Invitae Variant Classification Sherloc (09022015). Collection method: clinical testing. Allele origin: germline.
Comment: This sequence change replaces lysine, which is basic and polar, with asparagine, which is neutral and polar, at codon 164 of the TNNI3 protein (p.Lys164Asn). This variant is not present in population databases (gnomAD no frequency). This missense change has been observed in individual(s) with hypertrophic cardiomyopathy (Invitae). An algorithm developed to predict the effect of missense changes on protein structure and function (PolyPhen-2) suggests that this variant is likely to be disruptive. This variant disrupts the p.Lys164 amino acid residue in TNNI3. Other variant(s) that disrupt this residue have been observed in individuals with TNNI3-related conditions (PMID: 21533915), which suggests that this may be a clinically significant amino acid residue. In summary, the available evidence is currently insufficient to determine the role of this variant in disease. Therefore, it has been classified as a Variant of Uncertain Significance.

Literature cited by the submitters: PubMed 21533915 (cited by Labcorp Genetics (formerly Invitae), Labcorp).